The following is an entry in ClinVar:

NM_006509.4(RELB):c.353C>A (p.Ala118Glu)

Gene: RELB (RELB proto-oncogene, NF-kB subunit; plus strand). Cytogenetic location: 19q13.32.
Variant type: single nucleotide variant.
Coding change: c.353C>A on transcript NM_006509.4 (MANE Select); coding-DNA position 353, C replaced by A.
Protein change: p.Ala118Glu; replaces alanine 118 with glutamic acid.
Molecular consequence: missense variant.
Genome position (GRCh38, 1-based): chr19:45,012,125, C>A. VCF-style: chr19-45012125-C-A. GRCh37 (hg19) VCF-style: chr19-45515383-C-A.
Other names: c.344C>A, p.Ala115Glu (NM_001411087.1); short protein forms A115E, A118E.
Identifiers: ClinVar variation 3681664 (VCV003681664.2).
Genomic context (GRCh38, chr19:45,012,125, plus strand): 5'-TGGCGCCCCCAGCCACGCCGCCGCCTTGGGGCTGCCCCCTGGGCCGACTAGTGTCCCCAG[C>A]GCCGGGCCCGGGCCCGCAGCCGCACCTGGTCATCACGGAGCAGCCCAAGCAGCGCGGCAT-3'
Protein context (NP_006500.2, residues 108-128): GCPLGRLVSP[Ala118Glu]PGPGPQPHLV

ClinVar aggregate classification (germline): Uncertain significance (1 of 4 stars; one submission).

gnomAD v4.1: 2 of 1,555,200 alleles (0.00013%); highest among the groups gnomAD compares: Non-Finnish European, 0.00017%; no homozygotes.

Submission:

Labcorp Genetics (formerly Invitae), Labcorp
Classification: Uncertain significance. Last evaluated: 2024-03-06. Review status: criteria provided, single submitter. Criteria: Invitae Variant Classification Sherloc (09022015). Collection method: clinical testing. Allele origin: germline.
Comment: This sequence change replaces alanine, which is neutral and non-polar, with glutamic acid, which is acidic and polar, at codon 118 of the RELB protein (p.Ala118Glu). The frequency data for this variant in the population databases is considered unreliable, as metrics indicate poor data quality at this position in the gnomAD database. This variant has not been reported in the literature in individuals affected with RELB-related conditions. An algorithm developed to predict the effect of missense changes on protein structure and function (PolyPhen-2) suggests that this variant is likely to be tolerated. In summary, the available evidence is currently insufficient to determine the role of this variant in disease. Therefore, it has been classified as a Variant of Uncertain Significance.